The following is an entry in ClinVar:

ClinVar aggregate classification (germline): Likely benign (1 of 4 stars; one submission).

Conditions:
Leigh syndrome (NULS). Also called: Leigh's necrotizing encephalopathy; Leigh's disease; Leigh's syndrome; LEIGH SYNDROME, NUCLEAR; Leigh Syndrome (mtDNA deletion); Leigh Disease. Identifiers: Orphanet 506, MedGen C2931891, MONDO:0009723, OMIM 256000.

Submission:

Wong Mito Lab, Molecular and Human Genetics, Baylor College of Medicine
Classification: Likely benign for Leigh syndrome. Last evaluated: 2019-10-17. Review status: criteria provided, single submitter. Criteria: Modified ACMG Guidelines (Unpublished). Collection method: clinical testing. Allele origin: germline.
Comment: The NC_012920.1:m.14193A>G (YP_003024037.1:p.Phe161Leu) variant in MTND6 gene is interpretated to be a Likely Benign variant based on the modified ACMG guidelines (unpublished). This variant meets the following evidence codes: BS1, BP4

NC_012920.1(MT-ND6):m.14193A>G

Gene: MT-ND6 (mitochondrially encoded NADH dehydrogenase 6; minus strand).
Variant type: single nucleotide variant.
Genome position: chrM-14193-A-G.
Identifiers: ClinVar variation 693687 (VCV000693687.1), dbSNP rs1556424397, ClinGen allele CA414821326.